The following is an entry in ClinVar:

ClinVar aggregate classification (germline): Uncertain significance (1 of 4 stars; one submission).

Allele frequency attached by ClinVar (database versions not stated): ExAC 0.00001; gnomAD exomes 0.00001; gnomAD 0.00002 and 0.00003; TOPMed 0.00002; ESP Exome Variant Server 0.00017.
gnomAD v4.1: 17 of 1,591,304 alleles (0.0011%); highest among the groups gnomAD compares: East Asian, 0.0045%; no homozygotes.

Submission:

Labcorp Genetics (formerly Invitae), Labcorp
Classification: Uncertain significance. Last evaluated: 2025-10-20. Review status: criteria provided, single submitter. Criteria: Invitae Variant Classification Sherloc (09022015). Collection method: clinical testing. Allele origin: germline.
Comment: This sequence change affects codon 3860 of the ADGRV1 mRNA. It is a 'silent' change, meaning that it does not change the encoded amino acid sequence of the ADGRV1 protein. This variant also falls at the last nucleotide of exon 55, which is part of the consensus splice site for this exon. The frequency data for this variant in the population databases is considered unreliable, as metrics indicate poor data quality at this position in the gnomAD database. This variant has not been reported in the literature in individuals affected with ADGRV1-related conditions. ClinVar contains an entry for this variant (Variation ID: 957750). Variants that disrupt the consensus splice site are a relatively common cause of aberrant splicing (PMID: 17576681, 9536098). Algorithms developed to predict the effect of sequence changes on RNA splicing suggest that this variant may create or strengthen a splice site. In summary, the available evidence is currently insufficient to determine the role of this variant in disease. Therefore, it has been classified as a Variant of Uncertain Significance.

Literature cited by the submitters: PubMed 17576681; PubMed 9536098.

NM_032119.4(ADGRV1):c.11580G>A (p.Pro3860=)

Gene: ADGRV1 (adhesion G protein-coupled receptor V1; plus strand). Cytogenetic location: 5q14.3.
Variant type: single nucleotide variant.
Coding change: c.11580G>A on transcript NM_032119.4 (MANE Select); coding-DNA position 11580, G replaced by A.
Protein change: p.Pro3860=; no amino-acid change (proline 3860 retained).
Molecular consequence: synonymous variant. On other transcripts: non-coding transcript variant (1).
Genome position (GRCh38, 1-based): chr5:90,755,185, G>A. VCF-style: chr5-90755185-G-A. GRCh37 (hg19) VCF-style: chr5-90051002-G-A.
Identifiers: ClinVar variation 957750 (VCV000957750.8), dbSNP rs372334906, ClinGen allele CA3340992.